The following is an entry in ClinVar:

ClinVar aggregate classification (germline): Pathogenic. Review status: criteria provided, multiple submitters, no conflicts (2 of 4 stars). 5 submissions from 5 submitters: Pathogenic (5). Last evaluated 2026-08-19.

Conditions:
Familial intrahepatic cholestasis. Identifiers: Orphanet 284385, MedGen CN296401, MONDO:0017290.
Progressive familial intrahepatic cholestasis type 2. Identifiers: Orphanet 79304, MedGen C3489789, MONDO:0011156, OMIM 601847.
Benign recurrent intrahepatic cholestasis type 2 (BRIC2). Also called: Recurrent familial intrahepatic cholestasis 2. Identifiers: Orphanet 65682, Orphanet 99961, MedGen C2608083, MONDO:0011559, OMIM 605479.

gnomAD v4.1: 1 of 1,611,416 alleles (0.000062%); highest among the groups gnomAD compares: Middle Eastern, 0.017%; no homozygotes.

Submissions (5):

Molecular Genetics Laboratory, CHU Lille
Classification: Pathogenic for Progressive familial intrahepatic cholestasis type 2. Last evaluated: 2026-08-19. Review status: criteria provided, single submitter. Criteria: ACMG Guidelines, 2015. Collection method: clinical testing. Allele origin: germline. Inheritance: Autosomal recessive inheritance. Affected: yes. Observed: 1 variant allele, 1 homozygote.
Comment: The NM_003742.4:c.1062T>A is a nonsense variant in ABCB11 predicted to result in a premature stop codon at position 354, likely leading to an absent or disrupted protein product. Furthermore, it is present at an extremely low frequency in gnomAD (observed in a single heterozygous carrier). In summary, this variant meets the criteria to be classified as pathogenic for PFIC2 based on the applied ACMG/AMP guidelines (PVS1, PP5, PM2).

Genomenon, Inc
Classification: Pathogenic for Familial intrahepatic cholestasis. Last evaluated: 2026-04-14. Review status: criteria provided, single submitter. Criteria: Genomenon Sequence Variant Interpretation Standards - Updated. Collection method: curation. Allele origin: germline. Affected: yes.
Comment: ABCB11 p.Tyr354Ter (c.1062T>A) is a nonsense variant that introduces a premature stop codon at amino acid position 354, creating a truncated protein that is predicted to undergo nonsense-mediated mRNA decay. This variant has been observed in at least one proband with an ABCB11-related disorder (PMID:38108658;32206630;32087350;20232290;24214725). The variant was found to segregate with disease in at least one affected family (PMID:20232290). It is absent or not present at a significant frequency in gnomAD. In conclusion, we classify ABCB11 p.Tyr354Ter (c.1062T>A) as a pathogenic variant.

3billion
Classification: Pathogenic for Progressive familial intrahepatic cholestasis type 2. Last evaluated: 2025-07-01. Review status: criteria provided, single submitter. Criteria: ACMG Guidelines, 2015. Collection method: clinical testing. Allele origin: germline. Affected: yes.
Comment: The variant is observed at an extremely low frequency in the gnomAD v4.1.0 dataset (total allele frequency: <0.001%). Predicted Consequence/Location: Stop-gained (nonsense): predicted to result in a loss or disruption of normal protein function through nonsense-mediated decay (NMD) or protein truncation. Multiple pathogenic variants are reported downstream of the variant. The variant has been reported at least twice as pathogenic with clinical assertions and evidence for the classification (ClinVar ID: VCV003584656 /PMID: 20232290 /3billion dataset). Therefore, this variant is classified as Pathogenic according to the recommendation of ACMG/AMP guideline.

Broad Center for Mendelian Genomics, Broad Institute of MIT and Harvard
Classification: Pathogenic for Progressive familial intrahepatic cholestasis type 2. Last evaluated: 2025-01-29. Review status: criteria provided, single submitter. Criteria: ACMG Guidelines, 2015. Collection method: curation. Allele origin: germline. Inheritance: Autosomal recessive inheritance.
Comment: The p.Tyr354Ter variant in ABCB11 has been reported in 5 families with BSEP deficiency (PMID: 20232290, 33899189), and has been identified in 0.02% (1/5986) of Middle eastern chromosomes by the Genome Aggregation Database (gnomAD; dbSNP rs376258647). Although this variant has been seen in the general population in a heterozygous state, its frequency is not high enough to rule out a pathogenic role. Of the 5 affected probands, 4 were homozygotes, which increases the likelihood that the p.Tyr354Ter variant is pathogenic (PMID: 20232290, 33899189). This nonsense variant leads to a premature termination codon at position 354, which is predicted to lead to a truncated or absent protein. Loss of function of the ABCB11 gene is an established disease mechanism in autosomal recessive BSEP deficiency. In summary, this variant meets criteria to be classified as pathogenic for autosomal recessive BSEP deficiency. ACMG/AMP Criteria applied: PVS1, PM3_strong (Richards 2015).

Fulgent Genetics
Classification: Pathogenic for Progressive familial intrahepatic cholestasis type 2; Benign recurrent intrahepatic cholestasis type 2. Last evaluated: 2024-03-08. Review status: criteria provided, single submitter. Criteria: ACMG Guidelines, 2015. Collection method: clinical testing. Allele origin: germline.

Literature cited by the submitters: PubMed 38108658 (cited by Genomenon, Inc); PubMed 32206630 (cited by Genomenon, Inc); PubMed 32087350 (cited by Genomenon, Inc); PubMed 20232290 (cited by Genomenon, Inc and 3billion); PubMed 24214725 (cited by Genomenon, Inc).

NM_003742.4(ABCB11):c.1062T>A (p.Tyr354Ter)

Gene: ABCB11 (ATP binding cassette subfamily B member 11; minus strand). Cytogenetic location: 2q31.1.
Variant type: single nucleotide variant.
Coding change: c.1062T>A on transcript NM_003742.4 (MANE Select); coding-DNA position 1062, T replaced by A.
Protein change: p.Tyr354Ter; replaces tyrosine 354 with a stop codon.
Molecular consequence: nonsense.
Genome position (GRCh38, 1-based): chr2:168,986,131, A>T on the plus strand (T>A on the coding strand, the complement: ABCB11 is on the minus strand). VCF-style: chr2-168986131-A-T. GRCh37 (hg19) VCF-style: chr2-169842641-A-T.
Other names: c.1062T>A (NM_003742.2); short protein forms Y354*.
Identifiers: ClinVar variation 3584656 (VCV003584656.5).